The following is an entry in ClinVar:

ClinVar aggregate classification (germline): other (0 of 4 stars; one submission).

Conditions:
Familial colorectal cancer. Identifiers: MedGen CN280943, MONDO:0023113. Disease mechanism: loss of function.

Submission:

Systems Biology Platform Zhejiang California International NanoSystems Institute
Classification: other for Familial colorectal cancer. Review status: no assertion criteria provided. Collection method: not provided. Allele origin: unknown.
ClinVar note: Converted during submission from cancer to other.

NM_000038.6(APC):c.646-1836T>G

Gene: APC (APC regulator of WNT signaling pathway; plus strand). Cytogenetic location: 5q22.2.
Variant type: single nucleotide variant.
Coding change: c.646-1836T>G on transcript NM_000038.6 (MANE Select); 1836 bases into the intron before coding-DNA position 646, T replaced by G.
Molecular consequence: intron variant.
Genome position (GRCh38, 1-based): chr5:112,790,610, T>G. VCF-style: chr5-112790610-T-G. GRCh37 (hg19) VCF-style: chr5-112126307-T-G.
Other names: c.646-1836T>G (NM_001354895.2, NM_001127510.3, NM_001354896.2 and 1 more transcripts); c.676-1836T>G (NM_001354897.2, NM_001354902.2); c.675+9707T>G (NM_001127511.3); c.571-1836T>G (NM_001354898.2, NM_001354904.2); c.-390-1836T>G (NM_001354906.2); c.645+9707T>G (NM_001354899.2); c.469-1836T>G (NM_001354900.2, NM_001354901.2, NM_001354905.2).
Identifiers: ClinVar variation 82472 (VCV000082472.2), dbSNP rs78367110, ClinGen allele CA011706.